The following is an entry in ClinVar:

NM_000169.3(GLA):c.-1A>G

Genes: GLA (galactosidase alpha; minus strand), RPL36A-HNRNPH2 (RPL36A-HNRNPH2 readthrough; plus strand). Cytogenetic location: Xq22.1.
Variant type: single nucleotide variant.
Coding change: c.-1A>G on transcript NM_000169.3 (MANE Select); 1 bases upstream of the start codon, A replaced by G.
Molecular consequence: 5 prime UTR variant. On other transcripts: non-coding transcript variant (3), intron variant (2).
Genome position (GRCh38, 1-based): chrX:101,407,904, T>C on the plus strand (A>G on the coding strand, the complement: GLA is on the minus strand). VCF-style: chrX-101407904-T-C. GRCh37 (hg19) VCF-style: chrX-100662892-T-C.
Other names: c.-1A>G (NM_001406747.1, NM_001406748.1, NM_001406749.1); c.301-4032T>C (NM_001199973.2); c.178-4032T>C (NM_001199974.2).
Identifiers: ClinVar variation 504452 (VCV000504452.5), dbSNP rs1555987235, ClinGen allele CA658799821.

ClinVar aggregate classification (germline): Uncertain significance. Review status: criteria provided, multiple submitters, no conflicts (2 of 4 stars). 3 submissions from 3 submitters: Uncertain significance (3). Last evaluated 2026-09-08.

Conditions:
Fabry disease. Also called: GLA DEFICIENCY; Fabry's disease; ALPHA-GALACTOSIDASE A DEFICIENCY; ANDERSON-FABRY DISEASE; CERAMIDE TRIHEXOSIDASE DEFICIENCY; Ceramide trihexosidosis. Identifiers: Orphanet 324, MedGen C0002986, MONDO:0010526, OMIM 301500, HP:0001071. Disease mechanism: Fabry disease is due to inactivating mutations in the X-linked GLA gene resulting in deficiency of the enzyme Alpha Galactosidase-A., loss of function.

Allele frequency attached by ClinVar (database versions not stated): gnomAD exomes 0.00001.

Submissions (3):

Genomenon, Inc
Classification: Uncertain significance for Fabry disease. Last evaluated: 2026-09-08. Review status: criteria provided, single submitter. Criteria: Genomenon Sequence Variant Interpretation Standards - Updated. Collection method: curation. Allele origin: germline. Affected: no.
Comment: GLA c.-1A>G is a variant located in the 5′ untranslated region (5′ UTR). This variant has been reported in the published literature (PMID:39336803). It is absent or not present at a significant frequency in gnomAD. In conclusion, we classify GLA c.-1A>G as a variant of uncertain significance.

Color Diagnostics, LLC DBA Color Health
Classification: Uncertain significance for Fabry disease. Last evaluated: 2024-10-15. Review status: criteria provided, single submitter. Criteria: ACMG Guidelines, 2015. Collection method: clinical testing. Allele origin: germline.
Comment: This variant is located in the 5' untranslated region of the GLA gene. To our knowledge, functional studies have not been reported for this variant. This variant has not been reported in individuals affected with GLA-related disorders in the literature. This variant has not been identified in the general population by the Genome Aggregation Database (gnomAD). The available evidence is insufficient to determine the role of this variant in disease conclusively. Therefore, this variant is classified as a Variant of Uncertain Significance.

GeneDx
Classification: Uncertain significance. Last evaluated: 2018-02-28. Review status: criteria provided, single submitter. Criteria: GeneDx Variant Classification (06012015). Collection method: clinical testing. Allele origin: germline. Affected: yes.
Comment: The c.-1 A>G variant has not been published as pathogenic or been reported as benign to our knowledge. It is not observed in large population cohorts (Lek et al., 2016). The c.-1 A>G variant resides in the 5' UTR of the GLA gene at a nucleotide position that is not conserved across species. No definitive 5' UTR variants have been reported in the Human Gene Mutation Database in association with Fabry disease or cardiomyopathy (Stenson et al., 2014), and this variant has no predicted effect on splicing. Nonetheless, additional evidence is needed to clarify pathogenicity, including observation in a significant number of affected individuals, segregation data, and functional evidence.

Literature cited by the submitters: PubMed 39336803 (cited by Genomenon, Inc).